The following is an entry in ClinVar:

NM_019888.3(MC3R):c.221A>G (p.Tyr74Cys)

Gene: MC3R (melanocortin 3 receptor; plus strand). Cytogenetic location: 20q13.2.
Variant type: single nucleotide variant.
Coding change: c.221A>G on transcript NM_019888.3 (MANE Select); coding-DNA position 221, A replaced by G.
Protein change: p.Tyr74Cys; replaces tyrosine 74 with cysteine.
Molecular consequence: missense variant.
Genome position (GRCh38, 1-based): chr20:56,249,064, A>G. VCF-style: chr20-56249064-A-G. GRCh37 (hg19) VCF-style: chr20-54824120-A-G.
Other names: short protein forms Y74C.
Identifiers: ClinVar variation 4982219 (VCV004982219.1).

ClinVar aggregate classification (germline): Uncertain significance (1 of 4 stars; one submission).

Conditions:
MC3R-related disorder. Also called: MC3R-related condition.

Submission:

PreventionGenetics, part of Exact Sciences
Classification: Uncertain significance for MC3R-related condition. Last evaluated: 2025-12-24. Review status: criteria provided, single submitter. Criteria: ACMG Guidelines, 2015. Collection method: clinical testing. Allele origin: germline.
Comment: The MC3R c.221A>G variant is predicted to result in the amino acid substitution p.Tyr74Cys. To our knowledge, this variant has not been reported in the literature or in a large population database (gnomAD), indicating this variant is rare. At this time, the clinical significance of this variant is uncertain due to the absence of conclusive functional and genetic evidence.